The following is an entry in ClinVar:

ClinVar aggregate classification (germline): Likely pathogenic. Review status: criteria provided, multiple submitters, no conflicts (2 of 4 stars). 2 submissions from 2 submitters: Likely pathogenic (2). Last evaluated 2024-10-07.

Conditions:
Duchenne muscular dystrophy (DMD). Also called: MUSCULAR DYSTROPHY, PSEUDOHYPERTROPHIC PROGRESSIVE, DUCHENNE TYPE; Duchenne Muscular Dystrophy (DMD). Identifiers: Orphanet 98896, MedGen C0013264, MONDO:0010679, OMIM 310200.
DMD-related disorder. Also called: DMD-related condition.

Submissions (2):

Mendelics
Classification: Likely pathogenic for Duchenne muscular dystrophy. Last evaluated: 2024-10-07. Review status: criteria provided, single submitter. Criteria: ACMG Guidelines, 2015. Collection method: clinical testing. Allele origin: unknown.
Comment: Multiple previous reports describe variants in same base, but with different alts, as pathogenic (pmid 31412794). In-silico predictors suggest donor splice loss.

Blueprint Genetics
Classification: Likely pathogenic for DMD-related disorders. Last evaluated: 2022-05-27. Review status: criteria provided, single submitter. Criteria: ACMG Guidelines, 2015. Collection method: clinical testing. Allele origin: germline. Affected: yes. Observed: 1 variant allele.

NM_004006.3(DMD):c.6290+5G>T

Gene: DMD (dystrophin; minus strand). Cytogenetic location: Xp21.1.
Variant type: single nucleotide variant.
Coding change: c.6290+5G>T on transcript NM_004006.3 (MANE Select); 5 bases into the intron after coding-DNA position 6290, G replaced by T.
Molecular consequence: intron variant.
Genome position (GRCh38, 1-based): chrX:32,287,524, C>A on the plus strand (G>T on the coding strand, the complement: DMD is on the minus strand). VCF-style: chrX-32287524-C-A. GRCh37 (hg19) VCF-style: chrX-32305641-C-A.
Other names: c.6266+5G>T (NM_000109.4); c.2267+5G>T (NM_004011.4); c.2258+5G>T (NM_004012.4); c.6278+5G>T (NM_004009.3); c.5921+5G>T (NM_004010.3).
Identifiers: ClinVar variation 3362232 (VCV003362232.2).